The following is an entry in ClinVar:

ClinVar aggregate classification (germline): Uncertain significance (1 of 4 stars; one submission).

Allele frequency attached by ClinVar (database versions not stated): gnomAD exomes below 0.00001.

Submission:

GeneDx
Classification: Uncertain significance. Last evaluated: 2019-03-19. Review status: criteria provided, single submitter. Criteria: GeneDx Variant Classification Process June 2021. Collection method: clinical testing. Allele origin: germline. Affected: yes.
Comment: Has not been previously published as pathogenic or benign to our knowledge; In silico analysis, which includes protein predictors and evolutionary conservation, supports a deleterious effect

NM_183357.3(ADCY5):c.3559G>A (p.Gly1187Arg)

Gene: ADCY5 (adenylate cyclase 5; minus strand). Cytogenetic location: 3q21.1.
Variant type: single nucleotide variant.
Coding change: c.3559G>A on transcript NM_183357.3 (MANE Select); coding-DNA position 3559, G replaced by A.
Protein change: p.Gly1187Arg; replaces glycine 1187 with arginine.
Molecular consequence: missense variant.
Genome position (GRCh38, 1-based): chr3:123,286,783, C>T on the plus strand (G>A on the coding strand, the complement: ADCY5 is on the minus strand). VCF-style: chr3-123286783-C-T. GRCh37 (hg19) VCF-style: chr3-123005630-C-T.
Other names: c.2509G>A, p.Gly837Arg (NM_001199642.1); c.3634G>A, p.Gly1212Arg (NM_001378259.1); short protein forms G1187R, G1212R, G837R.
Identifiers: ClinVar variation 1303962 (VCV001303962.2), dbSNP rs1455176936, ClinGen allele CA354222412.